The following is an entry in ClinVar:

ClinVar aggregate classification (germline): Pathogenic/Likely pathogenic. Review status: criteria provided, multiple submitters, no conflicts (2 of 4 stars). 3 submissions from 3 submitters: Pathogenic (1); Likely pathogenic (2). Last evaluated 2024-10-17.

Conditions:
Dilated cardiomyopathy 1G (CMD1G). Identifiers: Orphanet 154, MedGen C1858763, MONDO:0011400, OMIM 604145.
Autosomal recessive limb-girdle muscular dystrophy type 2J (LGMDR10). Also called: MUSCULAR DYSTROPHY, LIMB-GIRDLE, AUTOSOMAL RECESSIVE 10; Limb-girdle muscular dystrophy, type 2J. Identifiers: Orphanet 140922, MedGen C1837342, MONDO:0012127, OMIM 608807.
TTN-related disorder. Also called: TTN-related disorders; TTN-related condition; TTN-related disease.

Submissions (3):

Labcorp Genetics (formerly Invitae), Labcorp
Classification: Likely pathogenic for Dilated cardiomyopathy 1G; Autosomal recessive limb-girdle muscular dystrophy type 2J. Last evaluated: 2024-10-17. Review status: criteria provided, single submitter. Criteria: Invitae Variant Classification Sherloc (09022015). Collection method: clinical testing. Allele origin: germline.
Comment: This sequence change creates a premature translational stop signal (p.Leu28825*) in the TTN gene. While this is not anticipated to result in nonsense mediated decay, it is expected to create a truncated TTN protein. This variant is not present in population databases (gnomAD no frequency). This variant has not been reported in the literature in individuals affected with TTN-related conditions. ClinVar contains an entry for this variant (Variation ID: 202420). This variant is located in the A band of TTN (PMID: 25589632). Truncating variants in this region are significantly overrepresented in patients affected with dilated cardiomyopathy (PMID: 25589632). Truncating variants in this region have also been reported in individuals affected with autosomal recessive centronuclear myopathy (PMID: 23975875). In summary, the currently available evidence indicates that the variant is pathogenic, but additional data are needed to prove that conclusively. Therefore, this variant has been classified as Likely Pathogenic.

GeneDx
Classification: Pathogenic. Last evaluated: 2019-02-21. Review status: criteria provided, single submitter. Criteria: GeneDx Variant Classification Process June 2021. Collection method: clinical testing. Allele origin: germline. Affected: yes.

Rady Children's Institute for Genomic Medicine, Rady Children's Hospital San Diego
Classification: Likely pathogenic for TTN-Related Disorders. Review status: criteria provided, single submitter. Criteria: ACMG Guidelines, 2015. Collection method: clinical testing. Allele origin: germline. Affected: yes.
Comment: This nonsense variant found in exon 326 of 363 is predicted to result in loss of normal protein function through either protein truncation or nonsense-mediated mRNA decay. This variant has not been previously reported or functionally characterized in the literature to our knowledge. Loss-of-function variation in TTN is an established mechanism of disease (PMID: 22335739; 25589632). This variant occurs within the A-band of TTN. Previous analyses have shown that loss-of-function variants, especially within the A-band and I/A band junctions of TTN, are enriched in dilated cardiomyopathy cohorts compared to population controls (PMID: 26777568). The c.86474T>G (p.Leu28825Ter) variant is absent from the gnomAD population database and thus is presumed to be rare. Analysis of the parental samples was negative for the variant, indicating this variant likely occurred as a de novo event. Based on the available evidence, the c.86474T>G (p.Leu28825Ter) variant is classified as Pathogenic.

Literature cited by the submitters: PubMed 25589632 (cited by Labcorp Genetics (formerly Invitae), Labcorp); PubMed 23975875 (cited by Labcorp Genetics (formerly Invitae), Labcorp).

NM_001267550.2(TTN):c.86474T>G (p.Leu28825Ter)

Genes: TTN (titin; minus strand), TTN-AS1 (TTN antisense RNA 1; plus strand). Cytogenetic location: 2q31.2.
Variant type: single nucleotide variant.
Coding change: c.86474T>G on transcript NM_001267550.2 (MANE Select); coding-DNA position 86474, T replaced by G.
Protein change: p.Leu28825Ter; replaces leucine 28825 with a stop codon.
Molecular consequence: nonsense.
Genome position (GRCh38, 1-based): chr2:178,559,658, A>C on the plus strand (T>G on the coding strand, the complement: TTN is on the minus strand). VCF-style: chr2-178559658-A-C. GRCh37 (hg19) VCF-style: chr2-179424385-A-C.
Other names: p.L27184*:TTA>TGA; c.81551T>G, p.Leu27184Ter (NM_001256850.1); c.59279T>G, p.Leu19760Ter (NM_003319.4); c.78770T>G, p.Leu26257Ter (NM_133378.4); c.59654T>G, p.Leu19885Ter (NM_133432.3); c.59855T>G, p.Leu19952Ter (NM_133437.4); short protein forms L27184*, L28825*, L26257*, L19760*, L19885*, L19952*.
Identifiers: ClinVar variation 202420 (VCV000202420.14), dbSNP rs794729297, ClinGen allele CA309355.